The following is an entry in ClinVar:

ClinVar aggregate classification (germline): Uncertain significance (1 of 4 stars; one submission).

gnomAD v4.1: 1 of 1,602,024 alleles (0.000062%); highest among the groups gnomAD compares: African/African-American, 0.0013%; no homozygotes.

Submission:

Ambry Genetics
Classification: Uncertain significance. Last evaluated: 2025-04-11. Review status: criteria provided, single submitter. Criteria: Ambry Variant Classification Scheme 2023. Collection method: clinical testing. Allele origin: germline.
Comment: The p.H758R variant (also known as c.2273A>G), located in coding exon 10 of the WNK2 gene, results from an A to G substitution at nucleotide position 2273. The histidine at codon 758 is replaced by arginine, an amino acid with highly similar properties. This amino acid position is conserved. In addition, this alteration is predicted to be tolerated by in silico analysis. Based on the available evidence, the clinical significance of this variant remains unclear.

NM_006648.4(WNK2):c.2273A>G (p.His758Arg)

Gene: WNK2 (WNK lysine deficient protein kinase 2; plus strand). Cytogenetic location: 9q22.31.
Variant type: single nucleotide variant.
Coding change: c.2273A>G on transcript NM_006648.4 (MANE Select); coding-DNA position 2273, A replaced by G.
Protein change: p.His758Arg; replaces histidine 758 with arginine.
Molecular consequence: missense variant.
Genome position (GRCh38, 1-based): chr9:93,257,030, A>G. VCF-style: chr9-93257030-A-G. GRCh37 (hg19) VCF-style: chr9-96019312-A-G.
Other names: c.2273A>G, p.His758Arg (NM_001282394.3); short protein forms H758R.
Identifiers: ClinVar variation 3981851 (VCV003981851.1).